The following is an entry in ClinVar:

NM_033641.4(COL4A6):c.4285C>T (p.Leu1429Phe)

Gene: COL4A6 (collagen type IV alpha 6 chain; minus strand). Cytogenetic location: Xq22.3.
Variant type: single nucleotide variant.
Coding change: c.4285C>T on transcript NM_033641.4 (MANE Select); coding-DNA position 4285, C replaced by T.
Protein change: p.Leu1429Phe; replaces leucine 1429 with phenylalanine.
Molecular consequence: missense variant.
Genome position (GRCh38, 1-based): chrX:108,161,667, G>A on the plus strand (C>T on the coding strand, the complement: COL4A6 is on the minus strand). VCF-style: chrX-108161667-G-A. GRCh37 (hg19) VCF-style: chrX-107404897-G-A.
Other names: c.4336C>T, p.Leu1446Phe (NM_001287758.2); c.4213C>T, p.Leu1405Phe (NM_001287759.2); c.4114C>T, p.Leu1372Phe (NM_001287760.2); c.4288C>T, p.Leu1430Phe (NM_001847.4); short protein forms L1429F, L1430F, L1446F, L1372F, L1405F.
Identifiers: ClinVar variation 1919877 (VCV001919877.5), dbSNP rs2521685641, ClinGen allele CA413851621.

ClinVar aggregate classification (germline): Uncertain significance (1 of 4 stars; one submission).

Allele frequency attached by ClinVar (database versions not stated): gnomAD exomes below 0.00001.
gnomAD v4.1: 1 of 1,138,000 alleles (0.000088%); highest among the groups gnomAD compares: Admixed American, 0.0025%; no homozygotes.

Submission:

Labcorp Genetics (formerly Invitae), Labcorp
Classification: Uncertain significance. Last evaluated: 2025-06-23. Review status: criteria provided, single submitter. Criteria: Invitae Variant Classification Sherloc (09022015). Collection method: clinical testing. Allele origin: germline.
Comment: This sequence change replaces leucine, which is neutral and non-polar, with phenylalanine, which is neutral and non-polar, at codon 1430 of the COL4A6 protein (p.Leu1430Phe). This variant is not present in population databases (gnomAD no frequency). This variant has not been reported in the literature in individuals affected with COL4A6-related conditions. ClinVar contains an entry for this variant (Variation ID: 1919877). Invitae Evidence Modeling of protein sequence and biophysical properties (such as structural, functional, and spatial information, amino acid conservation, physicochemical variation, residue mobility, and thermodynamic stability) has been performed for this missense variant. However, the output from this modeling did not meet the statistical confidence thresholds required to predict the impact of this variant on COL4A6 protein function. In summary, the available evidence is currently insufficient to determine the role of this variant in disease. Therefore, it has been classified as a Variant of Uncertain Significance.